The following is an entry in ClinVar:

NM_014927.5(CNKSR2):c.2134C>T (p.Arg712Ter)

Gene: CNKSR2 (connector enhancer of kinase suppressor of Ras 2; plus strand). Cytogenetic location: Xp22.12.
Variant type: single nucleotide variant.
Coding change: c.2134C>T on transcript NM_014927.5 (MANE Select); coding-DNA position 2134, C replaced by T.
Protein change: p.Arg712Ter; replaces arginine 712 with a stop codon.
Molecular consequence: nonsense.
Genome position (GRCh38, 1-based): chrX:21,606,868, C>T. VCF-style: chrX-21606868-C-T. GRCh37 (hg19) VCF-style: chrX-21624986-C-T.
Other names: c.2044C>T, p.Arg682Ter (NM_001168647.3, NM_001330773.2); c.2134C>T, p.Arg712Ter (NM_001168648.3); c.1987C>T, p.Arg663Ter (NM_001168649.3, NM_001330770.2); c.1897C>T, p.Arg633Ter (NM_001330771.2, NM_001330772.2); short protein forms R712*, R633*, R682*, R663*.
Identifiers: ClinVar variation 446716 (VCV000446716.6), dbSNP rs904072058, ClinGen allele CA412557004.
Genomic context (GRCh38, chrX:21,606,868, plus strand): 5'-GCAGATACTCCATCAACACCAAAACAAGATAGCCCTCCACCCCCATATGATACATACCCA[C>T]GACCTCCCTCGGTAAGTTAGCAACAAGAACATTACTTATCACCAGATTCTTCTACCTGAA-3'

ClinVar aggregate classification (germline): Pathogenic. Review status: criteria provided, multiple submitters, no conflicts (2 of 4 stars). 4 submissions from 4 submitters: Pathogenic (2). 2 of the submissions do not count toward it. Last evaluated 2025-07-18.

Conditions:
Intellectual developmental disorder, X-linked, syndromic, Houge type. Also called: MENTAL RETARDATION, X-LINKED, SYNDROMIC, HOUGE TYPE; Intellectual disability, X-linked, syndromic, Houge type. Identifiers: MedGen C4538788, MONDO:0030909, OMIM 301008.

Submissions (4):

GeneDx
Classification: Pathogenic. Last evaluated: 2025-07-18. Review status: criteria provided, single submitter. Criteria: GeneDx Variant Classification Process June 2021. Collection method: clinical testing. Allele origin: germline. Affected: yes.
Comment: Nonsense variant predicted to result in protein truncation or nonsense mediated decay in a gene for which loss of function is a known mechanism of disease; Not observed at significant frequency in large population cohorts (gnomAD); This variant is associated with the following publications: (PMID: 31414730, 32245427, 28098945)

Institute for Medical Genetics and Human Genetics, Charité - Universitätsmedizin Berlin
Classification: Pathogenic. Review status: criteria provided, single submitter. Criteria: ACMG Guidelines, 2015. Collection method: not provided. Allele origin: germline. Inheritance: X-linked dominant inheritance. Affected: yes.

Solve-RD Consortium
Classification: Likely pathogenic for Intellectual developmental disorder, X-linked, syndromic, Houge type. Last evaluated: 2022-06-01. Review status: no assertion criteria provided. Collection method: provider interpretation. Allele origin: inherited. Affected: yes. Not counted in ClinVar's aggregate classification.
Comment: Variant confirmed as disease-causing by referring clinical team

Variant identified during reanalysis of unsolved cases by the Solve-RD project. The Solve-RD project has received funding from the European Union’s Horizon 2020 research and innovation programme under grant agreement No 779257.

OMIM
Classification: Pathogenic for INTELLECTUAL DEVELOPMENTAL DISORDER, X-LINKED, SYNDROMIC, HOUGE TYPE. Last evaluated: 2021-08-19. Review status: no assertion criteria provided. Collection method: literature only. Allele origin: germline. Not counted in ClinVar's aggregate classification.

Literature cited by the submitters: PubMed 39825153 (cited by Solve-RD Consortium); PubMed 28098945 (cited by OMIM).